The following is an entry in ClinVar:

NM_004385.5(VCAN):c.2764G>A (p.Gly922Arg)

Gene: VCAN (versican; plus strand). Cytogenetic location: 5q14.3.
Variant type: single nucleotide variant.
Coding change: c.2764G>A on transcript NM_004385.5 (MANE Select); coding-DNA position 2764, G replaced by A.
Protein change: p.Gly922Arg; replaces glycine 922 with arginine.
Molecular consequence: missense variant. On other transcripts: intron variant (2).
Genome position (GRCh38, 1-based): chr5:83,521,070, G>A. VCF-style: chr5-83521070-G-A. GRCh37 (hg19) VCF-style: chr5-82816889-G-A.
Other names: c.2764G>A, p.Gly922Arg (NM_001164098.2); c.1042+8674G>A (NM_001164097.2, NM_001126336.3); short protein forms G922R.
Identifiers: ClinVar variation 1042258 (VCV001042258.8), dbSNP rs749584783, ClinGen allele CA3332891.
Genomic context (GRCh38, chr5:83,521,070, plus strand): 5'-ACTGAAGAAAAAGTTCCACCTATCACAAGCACTGAAGGCCAAGTTTATGCAACCATGGAA[G>A]GAAGTGCTTTGGGTGAAGTAGAAGATGTGGACCTCTCTAAGCCAGTATCTACTGTTCCCC-3'
Protein context (NP_004376.2, residues 912-932): TEGQVYATME[Gly922Arg]SALGEVEDVD

ClinVar aggregate classification (germline): Uncertain significance (1 of 4 stars; one submission).

Allele frequency attached by ClinVar (database versions not stated): gnomAD exomes 0.00001; ExAC 0.00002; gnomAD 0.00003 and 0.00004; TOPMed 0.00005.
gnomAD v4.1: 6 of 1,613,984 alleles (0.00037%); highest among the groups gnomAD compares: African/African-American, 0.0053%; no homozygotes.

Submission:

Labcorp Genetics (formerly Invitae), Labcorp
Classification: Uncertain significance. Last evaluated: 2025-04-17. Review status: criteria provided, single submitter. Criteria: Invitae Variant Classification Sherloc (09022015). Collection method: clinical testing. Allele origin: germline.
Comment: This sequence change replaces glycine, which is neutral and non-polar, with arginine, which is basic and polar, at codon 922 of the VCAN protein (p.Gly922Arg). The frequency data for this variant in the population databases is considered unreliable, as metrics indicate poor data quality at this position in the gnomAD database. This variant has not been reported in the literature in individuals affected with VCAN-related conditions. ClinVar contains an entry for this variant (Variation ID: 1042258). An algorithm developed to predict the effect of missense changes on protein structure and function (PolyPhen-2) suggests that this variant is likely to be disruptive. In summary, the available evidence is currently insufficient to determine the role of this variant in disease. Therefore, it has been classified as a Variant of Uncertain Significance.